The following is an entry in ClinVar:

ClinVar aggregate classification (germline): Uncertain significance (1 of 4 stars; one submission).

Conditions:
Infantile neuroaxonal dystrophy (NBIA2A). Also called: NEURODEGENERATION WITH BRAIN IRON ACCUMULATION 2A; SEITELBERGER DISEASE; Infantile neuroaxonal dystrophy 1. Identifiers: Orphanet 35069, MedGen C0270724, MONDO:0024457, OMIM 256600.

Submission:

Labcorp Genetics (formerly Invitae), Labcorp
Classification: Uncertain significance for Infantile neuroaxonal dystrophy. Last evaluated: 2023-12-11. Review status: criteria provided, single submitter. Criteria: Invitae Variant Classification Sherloc (09022015). Collection method: clinical testing. Allele origin: germline.
Comment: This sequence change replaces alanine, which is neutral and non-polar, with threonine, which is neutral and polar, at codon 724 of the PLA2G6 protein (p.Ala724Thr). This variant is not present in population databases (gnomAD no frequency). This variant has not been reported in the literature in individuals affected with PLA2G6-related conditions. Advanced modeling of protein sequence and biophysical properties (such as structural, functional, and spatial information, amino acid conservation, physicochemical variation, residue mobility, and thermodynamic stability) performed at Invitae indicates that this missense variant is expected to disrupt PLA2G6 protein function with a positive predictive value of 80%. In summary, the available evidence is currently insufficient to determine the role of this variant in disease. Therefore, it has been classified as a Variant of Uncertain Significance.

NM_003560.4(PLA2G6):c.2170G>A (p.Ala724Thr)

Gene: PLA2G6 (phospholipase A2 group VI; minus strand). Cytogenetic location: 22q13.1.
Variant type: single nucleotide variant.
Coding change: c.2170G>A on transcript NM_003560.4 (MANE Select); coding-DNA position 2170, G replaced by A.
Protein change: p.Ala724Thr; replaces alanine 724 with threonine.
Molecular consequence: missense variant.
Genome position (GRCh38, 1-based): chr22:38,113,519, C>T on the plus strand (G>A on the coding strand, the complement: PLA2G6 is on the minus strand). VCF-style: chr22-38113519-C-T. GRCh37 (hg19) VCF-style: chr22-38509526-C-T.
Other names: c.1492G>A, p.Ala498Thr (NM_001349868.2); c.1474G>A, p.Ala492Thr (NM_001349869.2); c.2008G>A, p.Ala670Thr (NM_001004426.3, NM_001199562.3, NM_001349865.2 and 1 more transcripts); c.2170G>A, p.Ala724Thr (NM_001349864.2); c.1636G>A, p.Ala546Thr (NM_001349867.2); short protein forms A498T, A724T, A492T, A670T, A546T.
Identifiers: ClinVar variation 2811378 (VCV002811378.3), dbSNP rs2517917348, ClinGen allele CA411523602.